The following is an entry in ClinVar:

NM_003659.4(AGPS):c.*1364A>G

Gene: AGPS (alkylglycerone phosphate synthase; plus strand). Cytogenetic location: 2q31.2.
Variant type: single nucleotide variant.
Coding change: c.*1364A>G on transcript NM_003659.4 (MANE Select); 1364 bases downstream of the stop codon, A replaced by G.
Molecular consequence: 3 prime UTR variant.
Genome position (GRCh38, 1-based): chr2:177,539,559, A>G. VCF-style: chr2-177539559-A-G. GRCh37 (hg19) VCF-style: chr2-178404287-A-G.
Identifiers: ClinVar variation 332544 (VCV000332544.5), dbSNP rs144780787, ClinGen allele CA10611471.

ClinVar aggregate classification (germline): Benign (1 of 4 stars; one submission).

Conditions:
Rhizomelic chondrodysplasia punctata type 3 (RCDP3). Also called: ALKYLDIHYDROXYACETONEPHOSPHATE SYNTHASE DEFICIENCY; Alkylglycerone Phosphate Synthase (AGPS) deficiency. Identifiers: Orphanet 177, Orphanet 309803, MedGen C1838612, MONDO:0010823, OMIM 600121. Disease mechanism: loss of function.

Allele frequency attached by ClinVar (database versions not stated): gnomAD 0.00569 and 0.00608; TOPMed 0.00654; 1000 Genomes Project 30x 0.00703; 1000 Genomes Project 0.00739.

Submission:

Illumina Laboratory Services, Illumina
Classification: Benign for Rhizomelic chondrodysplasia punctata type 3. Last evaluated: 2018-01-12. Review status: criteria provided, single submitter. Criteria: ICSL Variant Classification Criteria 13 December 2019. Collection method: clinical testing. Allele origin: germline.
Comment: This variant was observed in the ICSL laboratory as part of a predisposition screen in an ostensibly healthy population. It had not been previously curated by ICSL or reported in the Human Gene Mutation Database (HGMD: prior to June 1st, 2018), and was therefore a candidate for classification through an automated scoring system. Utilizing variant allele frequency, disease prevalence and penetrance estimates, and inheritance mode, an automated score was calculated to assess if this variant is too frequent to cause the disease. Based on the score and internal cut-off values, a variant classified as benign is not then subjected to further curation. The score for this variant resulted in a classification of benign for this disease.